The following is an entry in ClinVar:

NM_002834.5(PTPN11):c.214G>C (p.Ala72Pro)

Gene: PTPN11 (protein tyrosine phosphatase non-receptor type 11; plus strand). Cytogenetic location: 12q24.13.
Variant type: single nucleotide variant.
Coding change: c.214G>C on transcript NM_002834.5 (MANE Select); coding-DNA position 214, G replaced by C.
Protein change: p.Ala72Pro; replaces alanine 72 with proline.
Molecular consequence: missense variant.
Genome position (GRCh38, 1-based): chr12:112,450,394, G>C. VCF-style: chr12-112450394-G-C. GRCh37 (hg19) VCF-style: chr12-112888198-G-C.
Other names: p.A72P:GCC>CCC; c.214G>C, p.Ala72Pro (NM_001330437.2, NM_080601.3); c.211G>C, p.Ala71Pro (NM_001374625.1); c.214G>C (NM_002834.4); short protein forms A72P, A71P.
Identifiers: ClinVar variation 40500 (VCV000040500.61), dbSNP rs121918453, ClinGen allele CA261571.

ClinVar aggregate classification (germline): Pathogenic/Likely pathogenic. Review status: criteria provided, multiple submitters, no conflicts (2 of 4 stars). 9 submissions from 9 submitters: Pathogenic (6); Likely pathogenic (3). Last evaluated 2026-08-04.

Conditions:
PTPN11-related disorder. Also called: PTPN11-Related Disorders.
Autosomal dominant PTPN11-related disorders.
Fetal anomalies with a likely genetic cause.
Cardiovascular phenotype. Identifiers: MedGen CN230736.
RASopathy. Also called: Noonan spectrum disorder; rasopathies. Identifiers: Orphanet 536391, MedGen C5555857, MONDO:0021060.
Noonan syndrome (NS). Also called: Noonan's syndrome. Identifiers: Orphanet 648, MedGen C0028326, MeSH D009634, MONDO:0018997. Disease mechanism: gain of function.
Noonan syndrome with multiple lentigines. Identifiers: Orphanet 500, MedGen C0175704, MONDO:0007893.

Submissions (9):

Genetics Laboratory, Great Ormond Street Hospital NHS Foundation Trust, North Thames Genomic Laboratory Hub
Classification: Likely pathogenic for Fetal anomalies with a likely genetic cause. Last evaluated: 2026-08-04. Review status: criteria provided, single submitter. Criteria: ACGS Best Practice Guidelines for Variant Classification in Rare Disease 2024 v1.2. Collection method: clinical testing. Allele origin: germline. Affected: yes.
Comment: PS4_moderate, PM2_moderate, PP3_supporting, PM5_moderate, PP2_supporting, PS2_supporting

PreventionGenetics, part of Exact Sciences
Classification: Pathogenic for PTPN11-related condition. Last evaluated: 2026-01-26. Review status: criteria provided, single submitter. Criteria: ACMG Guidelines, 2015. Collection method: clinical testing. Allele origin: germline.
Comment: The PTPN11 c.214G>C variant is predicted to result in the amino acid substitution p.Ala72Pro. This variant has been reported in multiple unrelated individuals with Noonan syndrome (Lee et al. 2009. PubMed ID: 18759865; Hakami et al. 2016. PubMed ID: 26918529). Alternate missense variants affecting this same amino acid residue (p.Ala72Ser, p.Ala72Gly, p.Ala72Thr, p.Ala72Val, p.Ala72Asp) have also been reported in individuals with Noonan syndrome (see for examples: Hakami et al. 2016. PubMed ID: 26918529; Westphal et al. 2019. PubMed ID: 30868567; Papadopoulos et al. 2022. PubMed ID: 35904599). This variant is absent in a large population database (gnomAD), indicating this variant is rare. Given the evidence, we interpret this variant as pathogenic.

Variantyx, Inc.
Classification: Pathogenic for Autosomal dominant PTPN11-related disorders. Last evaluated: 2025-07-24. Review status: criteria provided, single submitter. Criteria: Variantyx Assertion Criteria 2022. Collection method: clinical testing. Allele origin: de novo. Inheritance: Autosomal dominant inheritance. Affected: yes.
Comment: This is a nonsynonymous variant in the PTPN11 gene (OMIM: 176876). Pathogenic variants in this gene have been associated with autosomal dominant PTPN11-related disorders. This variant has been reported in the published literature in affected individuals (PMID: 18759865, 26918529, 33794220, 31040167) (PS4_Moderate). It lies within a well-established critical functional domain of the PTPN11 protein (PMID:¬†9551546, 29493581) and several alternate amino acid changes at this position (p. Ala72Ser, p. Ala72Thr, p. Ala72Gly, p. Ala72Val) have been previously reported in similarly affected individuals, which suggests that this residue is biologically important (PMID: 17177198, 16358218, 15001945, 15928039, 15956085, 12960218, 30896080) (PM5_Strong). Multiple computational algorithms predict a deleterious effect for this variant (REVEL score: 0.852) (PP3). This variant is absent from control populations (PM2). Based on the current evidence, this variant is classified as pathogenic for autosomal dominant PTPN11-related disorders.

Ambry Genetics
Classification: Pathogenic for Cardiovascular phenotype. Last evaluated: 2025-02-12. Review status: criteria provided, single submitter. Criteria: Ambry Variant Classification Scheme 2023. Collection method: clinical testing. Allele origin: germline.
Comment: The c.214G>C (p.A72P) alteration is located in exon 3 (coding exon 3) of the PTPN11 gene. This alteration results from a G to C substitution at nucleotide position 214, causing the alanine (A) at amino acid position 72 to be replaced by a proline (P). for PTPN11-related RASopathy; however, it is unlikely to be causative of metachondromatosis. This variant was not reported in population-based cohorts in the Genome Aggregation Database (gnomAD). This variant was reported in individuals with features consistent with PTPN11-related RASopathy; in at least one individual, it was determined to be de novo (Lee, 2009; Bell, 2021; Stuurman, 2019). Other variants at the same codon, c.214G>T (p.A72S), c.214G>A (p.A72T), c.215C>G (p.A72G), have been identified in individuals with features consistent with PTPN11-related RASopathy (Tartaglia, 2001; Zepeda-Olmos, 2024; Mellis, 2022; Swarts, 2022). This amino acid position is highly conserved in available vertebrate species. This alteration is predicted to be deleterious by in silico analysis. Based on the available evidence, this alteration is classified as pathogenic.

GeneDx
Classification: Pathogenic. Last evaluated: 2024-04-11. Review status: criteria provided, single submitter. Criteria: GeneDx Variant Classification Process June 2021. Collection method: clinical testing. Allele origin: germline. Affected: yes.
Comment: Identified in probands with ultrasound findings consistent with PTPN11-related RASopathy (PMID: 18759865, 26918529); Missense variants in this gene are a common cause of disease and they are underrepresented in the general population; Not observed in large population cohorts (gnomAD); In silico analysis, which includes protein predictors and evolutionary conservation, supports a deleterious effect; This variant is associated with the following publications: (PMID: 30355600, 15928039, 12717436, 26918529, 18759865)

Women's Health and Genetics/Laboratory Corporation of America, LabCorp
Classification: Pathogenic for Noonan syndrome with multiple lentigines. Last evaluated: 2023-01-26. Review status: criteria provided, single submitter. Criteria: LabCorp Variant Classification Summary - May 2015. Collection method: clinical testing. Allele origin: germline.
Comment: Variant summary: PTPN11 c.214G>C (p.Ala72Pro) results in a non-conservative amino acid change located in the N-terminal Src homology 2 (N-SH2) domain of the encoded protein sequence. Five of five in-silico tools predict a damaging effect of the variant on protein function. The variant was absent in 251056 control chromosomes. c.214G>C has been reported in the literature in individuals affected with Noonan Syndrome (example, PMID: 18759865, 26918529). At least one publication reports experimental evidence evaluating an impact on protein function (example, PMID: 16358218). The most pronounced variant effect results in statistically significant higher phosphatase activities basally and after stimulation with BTAM peptide consistent with a gain of function mechanism of disease. Three clinical diagnostic laboratories have submitted clinical-significance assessments for this variant to ClinVar after 2014 without evidence for independent evaluation. All laboratories classified the variant as pathogenic/likely pathogenic. Based on the evidence outlined above, the variant was classified as pathogenic.

Labcorp Genetics (formerly Invitae), Labcorp
Classification: Likely pathogenic for RASopathy. Last evaluated: 2022-07-01. Review status: criteria provided, single submitter. Criteria: Invitae Variant Classification Sherloc (09022015). Collection method: clinical testing. Allele origin: germline.
Comment: This sequence change replaces alanine, which is neutral and non-polar, with proline, which is neutral and non-polar, at codon 72 of the PTPN11 protein (p.Ala72Pro). In summary, the currently available evidence indicates that the variant is pathogenic, but additional data are needed to prove that conclusively. Therefore, this variant has been classified as Likely Pathogenic. This variant disrupts the p.Ala72 amino acid residue in PTPN11. Other variant(s) that disrupt this residue have been determined to be pathogenic (PMID: 12161469, 26918529). This suggests that this residue is clinically significant, and that variants that disrupt this residue are likely to be disease-causing. Advanced modeling of protein sequence and biophysical properties (such as structural, functional, and spatial information, amino acid conservation, physicochemical variation, residue mobility, and thermodynamic stability) performed at Invitae indicates that this missense variant is expected to disrupt PTPN11 protein function. ClinVar contains an entry for this variant (Variation ID: 40500). This missense change has been observed in individual(s) with clinical features of Noonan syndrome (PMID: 18759865). This variant is not present in population databases (gnomAD no frequency).

Blueprint Genetics
Classification: Pathogenic for PTPN11-related disorders. Last evaluated: 2017-10-16. Review status: criteria provided, single submitter. Criteria: ACMG Guidelines, 2015. Collection method: clinical testing. Allele origin: germline. Affected: yes. Observed: 1 variant allele.

Laboratory for Molecular Medicine, Mass General Brigham Personalized Medicine
Classification: Likely pathogenic for Noonan syndrome. Last evaluated: 2012-09-28. Review status: criteria provided, single submitter. Criteria: LMM Criteria. Collection method: clinical testing. Allele origin: germline. Inheritance: Autosomal dominant inheritance. Observed: 1 variant allele.

Literature cited by the submitters: PubMed 18759865 (cited by 5 submitters); PubMed 26918529 (cited by 3 submitters); PubMed 33794220 (cited by Variantyx, Inc. and Ambry Genetics); PubMed 31040167 (cited by Variantyx, Inc. and Ambry Genetics); PubMed 11704759 (cited by Variantyx, Inc. and Ambry Genetics); PubMed 15956085 (cited by Variantyx, Inc.); PubMed 12960218 (cited by Variantyx, Inc.); PubMed 21784453 (cited by Variantyx, Inc.); PubMed 30868567 (cited by Variantyx, Inc.); PubMed 15928039 (cited by Variantyx, Inc. and Laboratory for Molecular Medicine, Mass General Brigham Personalized Medicine); PubMed 19020799 (cited by Variantyx, Inc.); PubMed 28098151 (cited by Variantyx, Inc.); PubMed 15001945 (cited by Variantyx, Inc.); PubMed 17177198 (cited by Variantyx, Inc.); PubMed 34411415 (cited by Ambry Genetics); PubMed 35979676 (cited by Ambry Genetics); PubMed 39596579 (cited by Ambry Genetics); PubMed 15385933 (cited by Women's Health and Genetics/Laboratory Corporation of America, LabCorp); PubMed 14644997 (cited by Women's Health and Genetics/Laboratory Corporation of America, LabCorp); PubMed 16358218 (cited by Women's Health and Genetics/Laboratory Corporation of America, LabCorp); PubMed 19047918 (cited by Women's Health and Genetics/Laboratory Corporation of America, LabCorp); PubMed 27259537 (cited by Women's Health and Genetics/Laboratory Corporation of America, LabCorp); PubMed 19179468 (cited by Women's Health and Genetics/Laboratory Corporation of America, LabCorp); PubMed 17972951 (cited by Women's Health and Genetics/Laboratory Corporation of America, LabCorp); PubMed 15710330 (cited by Women's Health and Genetics/Laboratory Corporation of America, LabCorp); PubMed 25395418 (cited by Women's Health and Genetics/Laboratory Corporation of America, LabCorp); PubMed 27069254 (cited by Women's Health and Genetics/Laboratory Corporation of America, LabCorp); PubMed 12161469 (cited by Labcorp Genetics (formerly Invitae), Labcorp); PubMed 12717436 (cited by Laboratory for Molecular Medicine, Mass General Brigham Personalized Medicine).